The following is an entry in ClinVar:

NM_004415.4(DSP):c.1737G>A (p.Thr579=)

Gene: DSP (desmoplakin; plus strand). Cytogenetic location: 6p24.3.
Variant type: single nucleotide variant.
Coding change: c.1737G>A on transcript NM_004415.4 (MANE Select); coding-DNA position 1737, G replaced by A.
Protein change: p.Thr579=; no amino-acid change (threonine 579 retained).
Molecular consequence: synonymous variant.
Genome position (GRCh38, 1-based): chr6:7,571,418, G>A. VCF-style: chr6-7571418-G-A. GRCh37 (hg19) VCF-style: chr6-7571651-G-A.
Other names: c.1737G>A (NM_004415.3); c.1737G>A, p.Thr579= (NM_001008844.3, NM_001319034.2).
Identifiers: ClinVar variation 920980 (VCV000920980.14), dbSNP rs150734502, ClinGen allele CA029876.

ClinVar aggregate classification (germline): Likely benign. Review status: criteria provided, multiple submitters, no conflicts (2 of 4 stars). 5 submissions from 5 submitters: Likely benign (5). Last evaluated 2026-03-27.

Conditions:
Cardiomyopathy (CMYO). Also called: Cardiomyopathies. Identifiers: Orphanet 167848, MedGen C0878544, MONDO:0004994, HP:0001638. Inheritance: Various modes of inheritance.
Arrhythmogenic cardiomyopathy with wooly hair and keratoderma. Also called: Arrhythmogenic cardiomyopathy with woolly hair and keratoderma; PALMOPLANTAR KERATODERMA WITH LEFT VENTRICULAR CARDIOMYOPATHY AND WOOLLY HAIR; Dilated cardiomyopathy with woolly hair and keratoderma; Carvajal syndrome. Identifiers: Orphanet 65282, MedGen C1854063, MONDO:0011581, OMIM 605676.
Arrhythmogenic right ventricular dysplasia 8 (ARVD8). Also called: Arrhythmogenic Right Ventricular Dysplasia/Cardiomyopathy 8; ARRHYTHMOGENIC RIGHT VENTRICULAR DYSPLASIA, FAMILIAL, 8; ARRHYTHMOGENIC RIGHT VENTRICULAR CARDIOMYOPATHY 8. Identifiers: MedGen C1843896, MONDO:0011831, OMIM 607450.
Cardiovascular phenotype. Identifiers: MedGen CN230736.

Allele frequency attached by ClinVar (database versions not stated): ExAC 0.00001; gnomAD exomes below 0.00001; gnomAD 0.00001; TOPMed 0.00001; ESP Exome Variant Server 0.00008.
gnomAD v4.1: 12 of 1,613,978 alleles (0.00074%); highest among the groups gnomAD compares: South Asian, 0.0011%; no homozygotes.

Submissions (5):

Molecular Diagnostic Laboratory for Inherited Cardiovascular Disease, Montreal Heart Institute
Classification: Likely benign. Last evaluated: 2026-03-27. Review status: criteria provided, single submitter. Criteria: ACMG Guidelines, 2015. Collection method: clinical testing. Allele origin: germline. Affected: no.
Comment: BP7

Labcorp Genetics (formerly Invitae), Labcorp
Classification: Likely benign for Arrhythmogenic cardiomyopathy with wooly hair and keratoderma; Arrhythmogenic right ventricular dysplasia 8. Last evaluated: 2025-05-22. Review status: criteria provided, single submitter. Criteria: Invitae Variant Classification Sherloc (09022015). Collection method: clinical testing. Allele origin: germline.

Women's Health and Genetics/Laboratory Corporation of America, LabCorp
Classification: Likely benign. Last evaluated: 2024-02-05. Review status: criteria provided, single submitter. Criteria: LabCorp Variant Classification Summary - May 2015. Collection method: clinical testing. Allele origin: germline.

Ambry Genetics
Classification: Likely benign for Cardiovascular phenotype. Last evaluated: 2024-01-22. Review status: criteria provided, single submitter. Criteria: Ambry Variant Classification Scheme 2023. Collection method: clinical testing. Allele origin: germline.

Color Diagnostics, LLC DBA Color Health
Classification: Likely benign for Cardiomyopathy. Last evaluated: 2019-12-03. Review status: criteria provided, single submitter. Criteria: ACMG Guidelines, 2015. Collection method: clinical testing. Allele origin: germline.